The following is an entry in ClinVar:

NM_020937.4(FANCM):c.3590A>T (p.Asp1197Val)

Gene: FANCM (FA complementation group M; plus strand). Cytogenetic location: 14q21.2.
Variant type: single nucleotide variant.
Coding change: c.3590A>T on transcript NM_020937.4 (MANE Select); coding-DNA position 3590, A replaced by T.
Protein change: p.Asp1197Val; replaces aspartic acid 1197 with valine.
Molecular consequence: missense variant.
Genome position (GRCh38, 1-based): chr14:45,176,344, A>T. VCF-style: chr14-45176344-A-T. GRCh37 (hg19) VCF-style: chr14-45645547-A-T.
Other names: c.3512A>T, p.Asp1171Val (NM_001308133.2); short protein forms D1197V, D1171V.
Identifiers: ClinVar variation 3512900 (VCV003512900.1).

ClinVar aggregate classification (germline): Uncertain significance (1 of 4 stars; one submission).

Conditions:
Inborn genetic diseases. Identifiers: MedGen C0950123, MeSH D030342.

gnomAD v4.1: 2 of 1,613,762 alleles (0.00012%); highest among the groups gnomAD compares: Admixed American, 0.0033%; no homozygotes.

Submission:

Ambry Genetics
Classification: Uncertain significance for Inborn genetic diseases. Last evaluated: 2024-11-20. Review status: criteria provided, single submitter. Criteria: Ambry Variant Classification Scheme 2023. Collection method: clinical testing. Allele origin: germline.
Comment: The p.D1197V variant (also known as c.3590A>T), located in coding exon 14 of the FANCM gene, results from an A to T substitution at nucleotide position 3590. The aspartic acid at codon 1197 is replaced by valine, an amino acid with highly dissimilar properties. This amino acid position is conserved. In addition, this alteration is predicted to be tolerated by in silico analysis. Based on the available evidence, the clinical significance of this variant remains unclear.